The following is an entry in ClinVar:

ClinVar aggregate classification (germline): Uncertain significance (1 of 4 stars; one submission).

Allele frequency attached by ClinVar (database versions not stated): gnomAD exomes below 0.00001; TOPMed below 0.00001; gnomAD 0.00001.
gnomAD v4.1: 2 of 1,612,584 alleles (0.00012%); highest among the groups gnomAD compares: Non-Finnish European, 0.00017%; no homozygotes.

Submission:

Labcorp Genetics (formerly Invitae), Labcorp
Classification: Uncertain significance. Last evaluated: 2022-11-08. Review status: criteria provided, single submitter. Criteria: Invitae Variant Classification Sherloc (09022015). Collection method: clinical testing. Allele origin: germline.
Comment: This variant is not present in population databases (gnomAD no frequency). This sequence change replaces methionine, which is neutral and non-polar, with valine, which is neutral and non-polar, at codon 2255 of the TRRAP protein (p.Met2255Val). This variant has not been reported in the literature in individuals affected with TRRAP-related conditions. In summary, the available evidence is currently insufficient to determine the role of this variant in disease. Therefore, it has been classified as a Variant of Uncertain Significance. Advanced modeling of protein sequence and biophysical properties (such as structural, functional, and spatial information, amino acid conservation, physicochemical variation, residue mobility, and thermodynamic stability) has been performed at Invitae for this missense variant, however the output from this modeling did not meet the statistical confidence thresholds required to predict the impact of this variant on TRRAP protein function.

NM_001375524.1(TRRAP):c.6838A>G (p.Met2280Val)

Gene: TRRAP (transformation/transcription domain associated protein; plus strand). Cytogenetic location: 7q22.1.
Variant type: single nucleotide variant.
Coding change: c.6838A>G on transcript NM_001375524.1 (MANE Select); coding-DNA position 6838, A replaced by G.
Protein change: p.Met2280Val; replaces methionine 2280 with valine.
Molecular consequence: missense variant.
Genome position (GRCh38, 1-based): chr7:98,964,637, A>G. VCF-style: chr7-98964637-A-G. GRCh37 (hg19) VCF-style: chr7-98562260-A-G.
Other names: c.6817A>G, p.Met2273Val (NM_001244580.2); c.6763A>G, p.Met2255Val (NM_003496.4); short protein forms M2273V, M2255V, M2280V.
Identifiers: ClinVar variation 2730402 (VCV002730402.3), dbSNP rs1792070051, ClinGen allele CA368288664.